The following is an entry in ClinVar:

NM_000540.3(RYR1):c.1404_1412del (p.Ser469_Arg471del)

Gene: RYR1 (ryanodine receptor 1; plus strand). Cytogenetic location: 19q13.2.
Variant type: Deletion.
Coding change: c.1404_1412del on transcript NM_000540.3 (MANE Select); coding-DNA positions 1404 to 1412, 9 bases deleted (AAGCCTGCG; older notation c.1404_1412delAAGCCTGCG).
Protein change: p.Ser469_Arg471del.
Molecular consequence: inframe deletion.
Genome position (GRCh38, 1-based): chr19:38,452,978-38,452,986, AAGCCTGCG deleted; deleting any 9 consecutive bases within chr19:38,452,973-38,452,986 gives the same sequence; the c. name uses the placement nearest the transcript's 3' end. VCF-style (leftmost placement, unchanged base first): chr19-38452972-GCTGCGAAGC-G. GRCh37 (hg19) VCF-style: chr19-38943612-GCTGCGAAGC-G.
Other names: c.1404_1412delAAGCCTGCG (NM_000540.2); c.1404_1412del, p.Ser469_Arg471del (NM_001042723.2).
Identifiers: ClinVar variation 504100 (VCV000504100.2), dbSNP rs1555767373, ClinGen allele CA658799211.
Genomic context (GRCh38, chr19:38,452,972, plus strand): 5'-CCTCATCATCTACTTCGAGCCTCCCTCCGAGGACTTGCAGCACGAGGAGAAGCAGAGCAA[GCTGCGAAGC>G]CTGCGCAACCGCCAGAGCCTCTTCCAGGAGGAGGTGAGGACGTGGCGAGGGCGGAGCGGG-3'

ClinVar aggregate classification (germline): Uncertain significance (1 of 4 stars; one submission).

Submission:

GeneDx
Classification: Uncertain significance. Last evaluated: 2018-02-08. Review status: criteria provided, single submitter. Criteria: GeneDx Variant Classification (06012015). Collection method: clinical testing. Allele origin: germline. Affected: yes.
Comment: The c.1404_1412delAAGCCTGCG variant has not been published as a pathogenic variant, nor has it been reported as a benign variant to our knowledge. The c.1404_1412delAAGCCTGCG variant is not observed in large population cohorts (Lek et al., 2016). The c.1404_1412delAAGCCTGCG variant results in an in-frame deletion of three amino acids, denoted p.Ser469_Arg471del. In-silico analyses, including protein predictors and evolutionary conservation, support a deleterious effect. However, other in-frame deletions or missense variants have not been reported at nearby residues in the Human Gene Mutation Database (Stenson et al., 2014). Therefore, based on the currently available information, it is unclear whether this variant is a pathogenic variant or a rare benign variant.